The following is an entry in ClinVar:

NM_000260.4(MYO7A):c.6237+6C>T

Gene: MYO7A (myosin VIIA; plus strand). Cytogenetic location: 11q13.5.
Variant type: single nucleotide variant.
Coding change: c.6237+6C>T on transcript NM_000260.4 (MANE Select); 6 bases into the intron after coding-DNA position 6237, C replaced by T.
Molecular consequence: intron variant.
Genome position (GRCh38, 1-based): chr11:77,211,343, C>T. VCF-style: chr11-77211343-C-T. GRCh37 (hg19) VCF-style: chr11-76922388-C-T.
Other names: c.6090+6C>T (NM_001369365.1); c.6123+6C>T (NM_001127180.2).
Identifiers: ClinVar variation 1437613 (VCV001437613.8), dbSNP rs2135786038, ClinGen allele CA2573147841.

ClinVar aggregate classification (germline): Uncertain significance (1 of 4 stars; one submission).

Submission:

Labcorp Genetics (formerly Invitae), Labcorp
Classification: Uncertain significance. Last evaluated: 2022-06-20. Review status: criteria provided, single submitter. Criteria: Invitae Variant Classification Sherloc (09022015). Collection method: clinical testing. Allele origin: germline.
Comment: This sequence change falls in intron 45 of the MYO7A gene. It does not directly change the encoded amino acid sequence of the MYO7A protein. It affects a nucleotide within the consensus splice site. This variant is not present in population databases (gnomAD no frequency). This variant has not been reported in the literature in individuals affected with MYO7A-related conditions. Variants that disrupt the consensus splice site are a relatively common cause of aberrant splicing (PMID: 17576681, 9536098). Algorithms developed to predict the effect of sequence changes on RNA splicing suggest that this variant is not likely to affect RNA splicing. In summary, the available evidence is currently insufficient to determine the role of this variant in disease. Therefore, it has been classified as a Variant of Uncertain Significance.

Literature cited by the submitters: PubMed 17576681; PubMed 9536098.